The following is an entry in ClinVar:

NM_001127898.4(CLCN5):c.1354A>G (p.Ser452Gly)

Gene: CLCN5 (Cl-/H+ antiporter 5; plus strand). Cytogenetic location: Xp11.23.
Variant type: single nucleotide variant.
Coding change: c.1354A>G on transcript NM_001127898.4 (MANE Select); coding-DNA position 1354, A replaced by G.
Protein change: p.Ser452Gly; replaces serine 452 with glycine.
Molecular consequence: missense variant.
Genome position (GRCh38, 1-based): chrX:50,086,667, A>G. VCF-style: chrX-50086667-A-G. GRCh37 (hg19) VCF-style: chrX-49851324-A-G.
Other names: c.1144A>G, p.Ser382Gly (NM_000084.5); c.1354A>G, p.Ser452Gly (NM_001127899.4); c.1204A>G, p.Ser402Gly (NM_001282163.2); short protein forms S382G, S402G, S452G.
Identifiers: ClinVar variation 2081207 (VCV002081207.23), dbSNP rs782031818, ClinGen allele CA10413866.
Genomic context (GRCh38, chrX:50,086,667, plus strand): 5'-GTCGTGACAGCCATCACTGCCATCCTGGCTTTCCCCAATGAATACACTCGGATGAGCACA[A>G]GTGAGCTCATTTCTGAGCTGTTTAATGACTGTGGCCTTCTGGACTCCTCCAAGCTCTGTG-3'
Protein context (NP_001121370.1, residues 442-462): FPNEYTRMST[Ser452Gly]ELISELFNDC

ClinVar aggregate classification (germline): Conflicting classifications of pathogenicity. Review status: criteria provided, conflicting classifications (1 of 4 stars). 2 submissions from 2 submitters: Uncertain significance (1); Likely benign (1). Last evaluated 2025-12-02.

Allele frequency attached by ClinVar (database versions not stated): gnomAD 0.00003; gnomAD exomes 0.00003; TOPMed 0.00003; ExAC 0.00005.
gnomAD v4.1: 30 of 1,207,963 alleles (0.0025%); highest among the groups gnomAD compares: Non-Finnish European, 0.0034%; no homozygotes.

Submissions (3):

Labcorp Genetics (formerly Invitae), Labcorp
Classification: Uncertain significance. Last evaluated: 2025-12-02. Review status: criteria provided, single submitter. Criteria: Invitae Variant Classification Sherloc (09022015). Collection method: clinical testing. Allele origin: germline.
Comment: This sequence change replaces serine, which is neutral and polar, with glycine, which is neutral and non-polar, at codon 382 of the CLCN5 protein (p.Ser382Gly). This variant is present in population databases (rs782031818, gnomAD 0.01%). This variant has not been reported in the literature in individuals affected with CLCN5-related conditions. ClinVar contains an entry for this variant (Variation ID: 2081207). Invitae Evidence Modeling of protein sequence and biophysical properties (such as structural, functional, and spatial information, amino acid conservation, physicochemical variation, residue mobility, and thermodynamic stability) indicates that this missense variant is not expected to disrupt CLCN5 protein function with a negative predictive value of 80%. Algorithms developed to predict the effect of sequence changes on RNA splicing suggest that this variant may create or strengthen a splice site. In summary, the available evidence is currently insufficient to determine the role of this variant in disease. Therefore, it has been classified as a Variant of Uncertain Significance.

CeGaT Center for Human Genetics Tuebingen
Classification: Likely benign. Last evaluated: 2024-06-01. Review status: criteria provided, single submitter. Criteria: CeGaT Center For Human Genetics Tuebingen Variant Classification Criteria Version 2. Collection method: clinical testing. Allele origin: germline. Affected: yes. Observed: 1 variant allele.
Comment: CLCN5: PP3, BS2

Dr. Peter K. Rogan Lab, Western University
No classification provided (evidence only). Condition: Nonpapillary renal cell carcinoma. Review status: no classification provided. Collection method: in vitro. Allele origin: not applicable. Functional consequence: retained intron. Not counted in ClinVar's aggregate classification.